The following is an entry in ClinVar:

NM_177972.3(TUB):c.1354G>A (p.Val452Met)

Genes: RIC3 (RIC3 acetylcholine receptor chaperone; minus strand), TUB (TUB bipartite transcription factor; plus strand). Cytogenetic location: 11p15.4.
Variant type: single nucleotide variant.
Coding change: c.1354G>A on transcript NM_177972.3 (MANE Select); coding-DNA position 1354, G replaced by A.
Protein change: p.Val452Met; replaces valine 452 with methionine.
Molecular consequence: missense variant.
Genome position (GRCh38, 1-based): chr11:8,100,964, G>A. VCF-style: chr11-8100964-G-A. GRCh37 (hg19) VCF-style: chr11-8122511-G-A.
Other names: c.1519G>A, p.Val507Met (NM_003320.5); short protein forms V452M, V507M.
Identifiers: ClinVar variation 2473581 (VCV002473581.5), dbSNP rs778413160, ClinGen allele CA5871471.

ClinVar aggregate classification (germline): Uncertain significance. Review status: criteria provided, multiple submitters, no conflicts (2 of 4 stars). 3 submissions from 3 submitters: Uncertain significance (2). 1 of the submissions does not count toward it. Last evaluated 2025-11-05.

Conditions:
TUB-related disorder. Also called: TUB-related condition.

Allele frequency attached by ClinVar (database versions not stated): gnomAD 0.00001; ExAC 0.00002; TOPMed 0.00002.
gnomAD v4.1: 25 of 1,614,028 alleles (0.0015%); highest among the groups gnomAD compares: Non-Finnish European, 0.0018%; no homozygotes.

Submissions (3):

Ambry Genetics
Classification: Uncertain significance. Last evaluated: 2025-11-05. Review status: criteria provided, single submitter. Criteria: Ambry Variant Classification Scheme 2023. Collection method: clinical testing. Allele origin: germline.

Blueprint Genetics
Classification: Uncertain significance. Last evaluated: 2023-07-19. Review status: criteria provided, single submitter. Criteria: ACMG Guidelines, 2015. Collection method: clinical testing. Allele origin: germline.

PreventionGenetics, part of Exact Sciences
Classification: Uncertain significance for TUB-related condition. Last evaluated: 2024-08-09. Review status: no assertion criteria provided. Collection method: clinical testing. Allele origin: germline. Not counted in ClinVar's aggregate classification.
Comment: The TUB c.1519G>A variant is predicted to result in the amino acid substitution p.Val507Met. To our knowledge, this variant has not been reported in the literature. This variant is reported in 0.0035% of alleles in individuals of European (Non-Finnish) descent in gnomAD. At this time, the clinical significance of this variant is uncertain due to the absence of conclusive functional and genetic evidence.